The following is an entry in ClinVar:

ClinVar aggregate classification (germline): Uncertain significance (1 of 4 stars; one submission).

Conditions:
Gaucher disease type III. Also called: Subacute neuronopathic Gaucher's disease; Type 3 Gaucher disease (Subacute; Juvenile); Gaucher Disease, Type 3; GAUCHER DISEASE, CHRONIC NEURONOPATHIC TYPE; GAUCHER DISEASE, JUVENILE AND ADULT, CEREBRAL; GAUCHER DISEASE, SUBACUTE NEURONOPATHIC TYPE. Identifiers: Orphanet 355, Orphanet 77261, MedGen C0268251, MONDO:0009267, OMIM 231000.
Gaucher disease-ophthalmoplegia-cardiovascular calcification syndrome. Also called: GAUCHER DISEASE, TYPE IIIC. Identifiers: Orphanet 2072, MedGen C1856476, MONDO:0009268, OMIM 231005.
Gaucher disease type I (GD1). Also called: ACID BETA-GLUCOSIDASE DEFICIENCY; Gaucher's disease, type 1; GD 1; Type 1 Gaucher Disease; GAUCHER DISEASE, NONCEREBRAL JUVENILE; GBA DEFICIENCY. Identifiers: Orphanet 355, Orphanet 77259, MedGen C1961835, MONDO:0009265, OMIM 230800.
Gaucher disease type II (GD2). Also called: Acute neuronopathic Gaucher's disease; Type 2 Gaucher disease (Acute; Infantile); GAUCHER DISEASE, ACUTE NEURONOPATHIC TYPE; GD II. Identifiers: Orphanet 77260, MedGen C0268250, MONDO:0009266, OMIM 230900.
Gaucher disease perinatal lethal. Also called: Gaucher disease collodion type; Gaucher Disease, Perinatal-Lethal Form. Identifiers: Orphanet 85212, MedGen C1842704, MONDO:0011945, OMIM 608013.

Allele frequency attached by ClinVar (database versions not stated): TOPMed below 0.00001; gnomAD 0.00001.
gnomAD v4.1: 1 of 1,614,052 alleles (0.000062%); highest among the groups gnomAD compares: East Asian, 0.0022%; no homozygotes.

Submission:

Diagnostics Services (NGS), CSIR - Centre For Cellular And Molecular Biology
Classification: Uncertain significance for Gaucher disease perinatal lethal; Gaucher disease type I; Gaucher disease type II; Gaucher disease type III; Gaucher disease-ophthalmoplegia-cardiovascular calcification syndrome. Last evaluated: 2019-10-10. Review status: criteria provided, single submitter. Criteria: ACMG Guidelines, 2015. Collection method: clinical testing. Allele origin: germline. Inheritance: Autosomal recessive inheritance. Affected: yes. Observed: 1 homozygote.
Comment: This variant is not present in publicly available databases like 1000 Genomes, Exome Variant Server (EVS), Exome Aggregation Consortium (ExAC), Genome Aggregation Database (gnomAD) and dbSNP. The variant is not present in our in-house exome database. The variant was not reported earlier to OMIM, ClinVar and Human Genome Mutation Database (HGMD) in any other affected individuals. In-silico pathogenicity prediction programs like SIFT, Polyphen2, Mutation Taster2, CADD etc. predicted this variant as likely disease causing. The variant has been classified as uncertain significance considering the clinical phenotype of the fetus.

NM_000157.4(GBA1):c.1316G>A (p.Ser439Asn)

Genes: GBA1 (glucosylceramidase beta 1; minus strand), LOC106627981 (GBA recombination region; plus strand). Cytogenetic location: 1q22.
Variant type: single nucleotide variant.
Coding change: c.1316G>A on transcript NM_000157.4 (MANE Select); coding-DNA position 1316, G replaced by A.
Protein change: p.Ser439Asn; replaces serine 439 with asparagine.
Molecular consequence: missense variant.
Genome position (GRCh38, 1-based): chr1:155,235,753, C>T on the plus strand (G>A on the coding strand, the complement: GBA1 is on the minus strand). VCF-style: chr1-155235753-C-T. GRCh37 (hg19) VCF-style: chr1-155205544-C-T.
Other names: c.1316G>A, p.Ser439Asn (NM_001005741.3, NM_001005742.3); c.1055G>A, p.Ser352Asn (NM_001171811.2); c.1169G>A, p.Ser390Asn (NM_001171812.2); short protein forms S352N, S390N, S439N.
Identifiers: ClinVar variation 694729 (VCV000694729.4), dbSNP rs1571966221, ClinGen allele CA342713181.
Genomic context (GRCh38, chr1:155,235,753, plus strand): 5'-AGGTGGTAGAACATGGGCTGTTTGTAAAACGTGTCCTTGGTGATGTCTACAATGATGGGA[C>T]TGTCGACAAAGTTACGCACCCAATTGGGTCCTCCTTCGGGGTTCAGGGCAAGGTTCCAGT-3'
Protein context (NP_000148.2, residues 429-449): GPNWVRNFVD[Ser439Asn]PIIVDITKDT